The following is an entry in ClinVar:

ClinVar aggregate classification (germline): Uncertain significance (1 of 4 stars; one submission).

Conditions:
Neuronal ceroid lipofuscinosis. Also called: Neuronal Ceroid Lipofuscinoses. Identifiers: Orphanet 216, Orphanet 79263, MedGen C0027877, MONDO:0016295. Disease mechanism: loss of function.

Allele frequency attached by ClinVar (database versions not stated): ExAC 0.00001; gnomAD exomes 0.00001; TOPMed 0.00002.

Submission:

Labcorp Genetics (formerly Invitae), Labcorp
Classification: Uncertain significance for Neuronal ceroid lipofuscinosis. Last evaluated: 2022-07-05. Review status: criteria provided, single submitter. Criteria: Invitae Variant Classification Sherloc (09022015). Collection method: clinical testing. Allele origin: germline.
Comment: This sequence change replaces serine, which is neutral and polar, with arginine, which is basic and polar, at codon 247 of the CLN3 protein (p.Ser247Arg). This variant is present in population databases (rs765857735, gnomAD 0.0009%). This variant has not been reported in the literature in individuals affected with CLN3-related conditions. Algorithms developed to predict the effect of missense changes on protein structure and function output the following: SIFT: "Tolerated"; PolyPhen-2: "Benign"; Align-GVGD: "Class C0". The arginine amino acid residue is found in multiple mammalian species, which suggests that this missense change does not adversely affect protein function. In summary, the available evidence is currently insufficient to determine the role of this variant in disease. Therefore, it has been classified as a Variant of Uncertain Significance.

NM_001042432.2(CLN3):c.739A>C (p.Ser247Arg)

Gene: CLN3 (CLN3 lysosomal/endosomal transmembrane protein, battenin; minus strand). Cytogenetic location: 16p12.1.
Variant type: single nucleotide variant.
Coding change: c.739A>C on transcript NM_001042432.2 (MANE Select); coding-DNA position 739, A replaced by C.
Protein change: p.Ser247Arg; replaces serine 247 with arginine.
Molecular consequence: missense variant.
Genome position (GRCh38, 1-based): chr16:28,484,057, T>G on the plus strand (A>C on the coding strand, the complement: CLN3 is on the minus strand). VCF-style: chr16-28484057-T-G. GRCh37 (hg19) VCF-style: chr16-28495378-T-G.
Other names: c.739A>C, p.Ser247Arg (NM_000086.2); c.667A>C, p.Ser223Arg (NM_001286104.2); c.439A>C, p.Ser147Arg (NM_001286105.2); c.505A>C, p.Ser169Arg (NM_001286109.2); c.577A>C, p.Ser193Arg (NM_001286110.2); short protein forms S147R, S193R, S223R, S169R, S247R.
Identifiers: ClinVar variation 2187603 (VCV002187603.1), dbSNP rs765857735, ClinGen allele CA7980840.